The following is an entry in ClinVar:

NM_005334.3(HCFC1):c.4671G>T (p.Ser1557=)

Gene: HCFC1 (host cell factor C1; minus strand). Cytogenetic location: Xq28.
Variant type: single nucleotide variant.
Coding change: c.4671G>T on transcript NM_005334.3 (MANE Select); coding-DNA position 4671, G replaced by T.
Protein change: p.Ser1557=; no amino-acid change (serine 1557 retained).
Molecular consequence: synonymous variant.
Genome position (GRCh38, 1-based): chrX:153,952,785, C>A on the plus strand (G>T on the coding strand, the complement: HCFC1 is on the minus strand). VCF-style: chrX-153952785-C-A. GRCh37 (hg19) VCF-style: chrX-153218236-C-A.
Other names: p.Ser1557=; c.4803G>T, p.Ser1601= (NM_001410705.1, NM_001440843.1, NM_001440844.1); c.4800G>T, p.Ser1600= (NM_001440845.1, NM_001440846.1); c.4671G>T, p.Ser1557= (NM_001440847.1, NM_001440848.1, NM_001440849.1); c.4605G>T, p.Ser1535= (NM_001440850.1); c.4473G>T, p.Ser1491= (NM_001440851.1).
Identifiers: ClinVar variation 4684540 (VCV004684540.1).

ClinVar aggregate classification (germline): Likely benign (1 of 4 stars; one submission).

Submission:

Mayo Clinic Laboratories, Mayo Clinic
Classification: Likely benign. Last evaluated: 2024-12-31. Review status: criteria provided, single submitter. Criteria: ACMG Guidelines, 2015. Collection method: clinical testing. Allele origin: germline. Observed: 1 variant allele.
Comment: BP4, BP7